The following is an entry in ClinVar:

NM_002180.3(IGHMBP2):c.1597C>T (p.Arg533Cys)

Genes: IGHMBP2 (immunoglobulin mu DNA binding protein 2; plus strand), LOC126861245 (CDK7 strongly-dependent group 2 enhancer GRCh37_chr11:68701479-68702678; plus strand). Cytogenetic location: 11q13.3.
Variant type: single nucleotide variant.
Coding change: c.1597C>T on transcript NM_002180.3 (MANE Select); coding-DNA position 1597, C replaced by T.
Protein change: p.Arg533Cys; replaces arginine 533 with cysteine.
Molecular consequence: missense variant.
Genome position (GRCh38, 1-based): chr11:68,934,523, C>T. VCF-style: chr11-68934523-C-T. GRCh37 (hg19) VCF-style: chr11-68701991-C-T.
Other names: c.1597C>T (NM_002180.2); short protein forms R533C.
Identifiers: ClinVar variation 1430167 (VCV001430167.11), dbSNP rs374185933, ClinGen allele CA6153711.
Genomic context (GRCh38, chr11:68,934,523, plus strand): 5'-GGCGAAGTCCGCCTCGTCAGTTTGCACATCCAGGCTCTGGTGGACGCTGGTGTTCCAGCC[C>T]GTGACATTGCTGTGGTCTCGCCATACAACCTCCAGGTACGAGGGTTTCCTTTTGTCCCTC-3'
Protein context (NP_002171.2, residues 523-543): QALVDAGVPA[Arg533Cys]DIAVVSPYNL

ClinVar aggregate classification (germline): Uncertain significance. Review status: criteria provided, multiple submitters, no conflicts (2 of 4 stars). 2 submissions from 2 submitters: Uncertain significance (2). Last evaluated 2021-09-24.

Conditions:
Autosomal recessive distal spinal muscular atrophy 1. Also called: NEURONOPATHY, SEVERE INFANTILE AXONAL, WITH RESPIRATORY FAILURE; SEVERE INFANTILE AXONAL NEUROPATHY WITH RESPIRATORY FAILURE; SPINAL MUSCULAR ATROPHY, DIAPHRAGMATIC; Spinal muscular atrophy with respiratory distress 1; NEURONOPATHY, DISTAL HEREDITARY MOTOR, HARDING TYPE VI; NEUROPATHY, DISTAL HEREDITARY MOTOR, AUTOSOMAL RECESSIVE 1. Identifiers: Orphanet 98920, MedGen C1858517, MONDO:0011436, OMIM 604320.
Charcot-Marie-Tooth disease axonal type 2S. Also called: CHARCOT-MARIE-TOOTH NEUROPATHY, TYPE 2S; CHARCOT-MARIE-TOOTH DISEASE, AXONAL, AUTOSOMAL RECESSIVE, TYPE 2S. Identifiers: Orphanet 443073, MedGen C4015349, MONDO:0014511, OMIM 616155.

Allele frequency attached by ClinVar (database versions not stated): TOPMed 0.00001; gnomAD exomes 0.00002; ExAC 0.00003; ESP Exome Variant Server 0.00015.
gnomAD v4.1: 21 of 1,612,906 alleles (0.0013%); highest among the groups gnomAD compares: South Asian, 0.0022%; no homozygotes.

Submissions (2):

Labcorp Genetics (formerly Invitae), Labcorp
Classification: Uncertain significance for Autosomal recessive distal spinal muscular atrophy 1; Charcot-Marie-Tooth disease axonal type 2S. Last evaluated: 2021-09-24. Review status: criteria provided, single submitter. Criteria: Invitae Variant Classification Sherloc (09022015). Collection method: clinical testing. Allele origin: germline.
Comment: This sequence change replaces arginine with cysteine at codon 533 of the IGHMBP2 protein (p.Arg533Cys). The arginine residue is weakly conserved and there is a large physicochemical difference between arginine and cysteine. This variant is present in population databases (rs374185933, ExAC 0.01%). This variant has not been reported in the literature in individuals with IGHMBP2-related conditions. Advanced modeling of protein sequence and biophysical properties (such as structural, functional, and spatial information, amino acid conservation, physicochemical variation, residue mobility, and thermodynamic stability) performed at Invitae indicates that this missense variant is not expected to disrupt IGHMBP2 protein function. In summary, the available evidence is currently insufficient to determine the role of this variant in disease. Therefore, it has been classified as a Variant of Uncertain Significance.

Revvity Omics, Revvity
Classification: Uncertain significance. Last evaluated: 2020-03-16. Review status: criteria provided, single submitter. Criteria: ACMG Guidelines, 2015. Collection method: clinical testing. Allele origin: germline.